The following is an entry in ClinVar:

ClinVar aggregate classification (germline): Pathogenic. Review status: reviewed by expert panel (3 of 4 stars). 4 submissions from 4 submitters: Pathogenic (1). 3 of the submissions do not count toward it. Last evaluated 2016-10-18.

Conditions:
Hereditary cancer-predisposing syndrome. Also called: Tumor predisposition; Neoplastic Syndromes, Hereditary; Hereditary neoplastic syndrome; Hereditary Cancer Syndrome. Identifiers: Orphanet 140162, MedGen C0027672, MeSH D009386, MONDO:0015356.
Hereditary breast ovarian cancer syndrome. Also called: Hereditary breast and ovarian cancer; Hereditary breast and ovarian cancer syndrome (HBOC); Hereditary breast and/or ovarian cancer syndrome; Breast and ovarian cancer; Hereditary breast and ovarian cancer syndrome; BRCA1- and BRCA2-Associated Hereditary Breast and Ovarian Cancer. Identifiers: Orphanet 145, MedGen C0677776, MeSH D061325, MONDO:0003582. Disease mechanism: loss of function.
Breast-ovarian cancer, familial, susceptibility to, 2 (BROVCA2). Also called: BRCA2 Hereditary Breast and Ovarian Cancer. Identifiers: Orphanet 145, MedGen C2675520, MONDO:0012933, OMIM 612555. Disease mechanism: loss of function.

Submissions (4):

Evidence-based Network for the Interpretation of Germline Mutant Alleles (ENIGMA)
Classification: Pathogenic for Breast-ovarian cancer, familial, susceptibility to, 2. Last evaluated: 2016-10-18. Review status: reviewed by expert panel. Criteria: ENIGMA BRCA1/2 Classification Criteria (2015). Collection method: curation. Allele origin: germline.
Comment: Variant allele predicted to encode a truncated non-functional protein.

Ambry Genetics
Classification: Pathogenic for Hereditary cancer-predisposing syndrome. Last evaluated: 2016-12-16. Review status: criteria provided, single submitter. Criteria: Ambry Variant Classification Scheme 2023. Collection method: clinical testing. Allele origin: germline. Not counted in ClinVar's aggregate classification.
Comment: The c.2748delT pathogenic mutation, located in coding exon 10 of the BRCA2 gene, results from a deletion of one nucleotide at nucleotide position 2748, causing a translational frameshift with a predicted alternate stop codon (p.C916Wfs*2). This alteration is expected to result in loss of function by premature protein truncation or nonsense-mediated mRNA decay. As such, this alteration is interpreted as a disease-causing mutation. This amino acid position is not well conserved in available vertebrate species.

Consortium of Investigators of Modifiers of BRCA1/2 (CIMBA), c/o University of Cambridge
Classification: Pathogenic for Breast-ovarian cancer, familial, susceptibility to, 2. Last evaluated: 2015-10-02. Review status: criteria provided, single submitter. Criteria: CIMBA Mutation Classification guidelines May 2016. Collection method: clinical testing. Allele origin: germline. Not counted in ClinVar's aggregate classification.

Department of Pathology and Laboratory Medicine, Sinai Health System
Classification: Likely pathogenic for Hereditary breast ovarian cancer syndrome. Review status: criteria provided, single submitter. Criteria: ACMG Guidelines, 2015. Collection method: clinical testing. Allele origin: germline. Affected: yes. Study: The Canadian Open Genetics Repository (COGR). Not counted in ClinVar's aggregate classification.

NM_000059.4(BRCA2):c.2748del (p.Cys916fs)

Gene: BRCA2 (BRCA2 DNA repair associated; plus strand). Cytogenetic location: 13q13.1.
Variant type: Deletion.
Coding change: c.2748del on transcript NM_000059.4 (MANE Select); coding-DNA position 2748, one base deleted (T; older notation c.2748delT).
Protein change: p.Cys916fs; shifts the reading frame from cysteine 916.
Molecular consequence: frameshift variant.
Genome position (GRCh38, 1-based): chr13:32,337,103, T deleted. VCF-style (leftmost placement, unchanged base first): chr13-32337102-GT-G. GRCh37 (hg19) VCF-style: chr13-32911239-GT-G.
Other names: 2976delT; c.2748delT (NM_000059.3).
Identifiers: ClinVar variation 266717 (VCV000266717.9), dbSNP rs886040443, ClinGen allele CA10589169.